The following is an entry in ClinVar:

ClinVar aggregate classification (germline): Pathogenic. Review status: criteria provided, single submitter (1 of 4 stars). 2 submissions from 2 submitters: Pathogenic (1). 1 of the submissions does not count toward it. Last evaluated 2026-09-17.

Conditions:
Metachromatic leukodystrophy (MLD). Also called: Cerebral sclerosis diffuse metachromatic form; ARSA DEFICIENCY; CEREBROSIDE SULFATASE DEFICIENCY; Arylsulfatase A Deficiency; SULFATIDE LIPIDOSIS; METACHROMATIC LEUKOENCEPHALOPATHY. Identifiers: Orphanet 512, MedGen C0023522, MONDO:0018868, OMIM 250100.

Submissions (2):

Laboratory of Experimental Gene Therapy of Hereditary Metabolic Diseases, Research Centre for Medical Genetics
Classification: Pathogenic for Metachromatic leukodystrophy. Last evaluated: 2026-09-17. Review status: criteria provided, single submitter. Criteria: ARSA MLD Assertion Criteria V2 2026 09 18. Collection method: clinical testing. Allele origin: germline. Inheritance: Autosomal recessive inheritance. Observed: 1 variant allele, 1 compound heterozygote.
Comment: The previously reported Pathogenic classification was reviewed and retained for the accompanying study. External ClinVar record reviewed: VCV000068143.2. Observations from the present referral series were not used to establish pathogenicity.

UniProtKB/Swiss-Prot
No classification provided. Review status: no classification provided. Collection method: not provided. Allele origin: not provided. Not counted in ClinVar's aggregate classification.

Literature cited by the submitters: PubMed 18693274 (cited by Laboratory of Experimental Gene Therapy of Hereditary Metabolic Diseases, Research Centre for Medical Genetics).

NM_000487.6(ARSA):c.59C>A (p.Ala20Asp)

Gene: ARSA (arylsulfatase A; minus strand). Cytogenetic location: 22q13.33.
Variant type: single nucleotide variant.
Coding change: c.59C>A on transcript NM_000487.6 (MANE Select); coding-DNA position 59, C replaced by A.
Protein change: p.Ala20Asp; replaces alanine 20 with aspartic acid.
Molecular consequence: missense variant. On other transcripts: intron variant (2).
Genome position (GRCh38, 1-based): chr22:50,627,721, G>T on the plus strand (C>A on the coding strand, the complement: ARSA is on the minus strand). VCF-style: chr22-50627721-G-T. GRCh37 (hg19) VCF-style: chr22-51066149-G-T.
Other names: NP_000478.3:p.(Ala20Asp); c.59C>A, p.Ala20Asp (NM_001085425.3, NM_001085426.3, NM_001085427.3); c.-35+270C>A (NM_001362782.2); c.-35+225C>A (NM_001085428.3); short protein forms A20D.
Identifiers: ClinVar variation 68143 (VCV000068143.3), dbSNP rs199476339, ClinGen allele CA219042.